The following is an entry in ClinVar:

NM_000268.4(NF2):c.352T>C (p.Phe118Leu)

Gene: NF2 (NF2, moesin-ezrin-radixin like (MERLIN) tumor suppressor; plus strand). Cytogenetic location: 22q12.2.
Variant type: single nucleotide variant.
Coding change: c.352T>C on transcript NM_000268.4 (MANE Select); coding-DNA position 352, T replaced by C.
Protein change: p.Phe118Leu; replaces phenylalanine 118 with leucine.
Molecular consequence: missense variant. On other transcripts: 5 prime UTR variant (1), intron variant (8).
Genome position (GRCh38, 1-based): chr22:29,639,201, T>C. VCF-style: chr22-29639201-T-C. GRCh37 (hg19) VCF-style: chr22-30035190-T-C.
Other names: c.238T>C, p.Phe80Leu (NM_001407053.1, NM_001407056.1); c.226T>C, p.Phe76Leu (NM_001407055.1, NM_181828.3); c.352T>C, p.Phe118Leu (NM_001407057.1, NM_001407059.1, NM_001407060.1 and 5 more transcripts); c.-289T>C (NM_001407065.1); c.121T>C, p.Phe41Leu (NM_001407067.1); c.240+2325T>C (NM_001407058.1, NM_181829.3, NM_001407054.1 and 1 more transcripts); c.115-3001T>C (NM_001407063.1, NM_181830.3, NM_001407064.1 and 1 more transcripts); short protein forms F76L, F80L, F41L, F118L.
Identifiers: ClinVar variation 4825436 (VCV004825436.1).

ClinVar aggregate classification (germline): Uncertain significance (1 of 4 stars; one submission).

Conditions:
Hereditary cancer-predisposing syndrome. Also called: Neoplastic Syndromes, Hereditary; Tumor predisposition; Hereditary Cancer Syndrome; Hereditary neoplastic syndrome. Identifiers: Orphanet 140162, MedGen C0027672, MeSH D009386, MONDO:0015356.

gnomAD v4.1: 1 of 1,614,202 alleles (0.000062%); highest among the groups gnomAD compares: Non-Finnish European, 0.000085%; no homozygotes.

Submission:

Ambry Genetics
Classification: Uncertain significance for Hereditary cancer-predisposing syndrome. Last evaluated: 2026-02-27. Review status: criteria provided, single submitter. Criteria: Ambry Variant Classification Scheme 2023. Collection method: clinical testing. Allele origin: germline.
Comment: The p.F118L variant (also known as c.352T>C), located in coding exon 3 of the NF2 gene, results from a T to C substitution at nucleotide position 352. The phenylalanine at codon 118 is replaced by leucine, an amino acid with highly similar properties. This amino acid position is highly conserved in available vertebrate species. In addition, the in silico prediction for this alteration is inconclusive. Based on the available evidence, the clinical significance of this variant remains unclear.